The following is an entry in ClinVar:

NM_000051.4(ATM):c.6728_6755del (p.Gln2243fs)

Genes: ATM (ATM serine/threonine kinase; plus strand), C11orf65 (chromosome 11 open reading frame 65; minus strand). Cytogenetic location: 11q22.3.
Variant type: Deletion.
Coding change: c.6728_6755del on transcript NM_000051.4 (MANE Select); coding-DNA positions 6728 to 6755, 28 bases deleted (AAAGAGAATGTATTAAGGACATTCTCAC).
Protein change: p.Gln2243fs; shifts the reading frame from glutamine 2243.
Molecular consequence: frameshift variant. On other transcripts: intron variant (2).
Genome position (GRCh38, 1-based): chr11:108,325,465-108,325,492, AAAGAGAATGTATTAAGGACATTCTCAC deleted; deleting any 28 consecutive bases within chr11:108,325,460-108,325,492 gives the same sequence; the c. name uses the placement nearest the transcript's 3' end. VCF-style (leftmost placement, unchanged base first): chr11-108325459-ACTCACAAAGAGAATGTATTAAGGACATT-A. GRCh37 (hg19) VCF-style: chr11-108196186-ACTCACAAAGAGAATGTATTAAGGACATT-A.
Other names: c.641-16416_641-16389del (NM_001330368.2); c.*38+9733_*38+9760del (NM_001351110.2); c.6728_6755del, p.Gln2243fs (NM_001351834.2); short protein forms Q2243fs.
Identifiers: ClinVar variation 1076866 (VCV001076866.8), dbSNP rs2136314501, ClinGen allele CA2499220694.

ClinVar aggregate classification (germline): Pathogenic (1 of 4 stars; one submission).

Conditions:
Ataxia-telangiectasia syndrome (AT). Also called: Ataxia telangiectasia (A-T); ATAXIA-TELANGIECTASIA, COMPLEMENTATION GROUP A; ATAXIA-TELANGIECTASIA, FRESNO VARIANT; Ataxia-telangiectasia; Ataxia-telangiectasia, complementation group E; LOUIS-BAR SYNDROME. Identifiers: Orphanet 100, MedGen C0004135, MONDO:0008840, OMIM 208900.

Submission:

Labcorp Genetics (formerly Invitae), Labcorp
Classification: Pathogenic for Ataxia-telangiectasia syndrome. Last evaluated: 2020-09-06. Review status: criteria provided, single submitter. Criteria: Invitae Variant Classification Sherloc (09022015). Collection method: clinical testing. Allele origin: germline.
Comment: For these reasons, this variant has been classified as Pathogenic. Loss-of-function variants in ATM are known to be pathogenic (PMID: 23807571, 25614872). This variant has not been reported in the literature in individuals with ATM-related conditions. This variant is not present in population databases (ExAC no frequency). This sequence change creates a premature translational stop signal (p.Gln2243Profs*5) in the ATM gene. It is expected to result in an absent or disrupted protein product.

Literature cited by the submitters: PubMed 23807571; PubMed 25614872.